The following is an entry in ClinVar:

ClinVar aggregate classification (germline): Benign/Likely benign. Review status: criteria provided, multiple submitters, no conflicts (2 of 4 stars). 7 submissions from 7 submitters: Benign (2); Likely benign (4). 1 of the submissions does not count toward it. Last evaluated 2026-06-03.

Conditions:
EVC2-related disorder. Also called: EVC2-related condition.
Curry-Hall syndrome (WAD). Also called: WEYERS ACRODENTAL DYSOSTOSIS. Identifiers: Orphanet 952, MedGen C0457013, MONDO:0008673, OMIM 193530.
Ellis-van Creveld syndrome (EVC). Also called: Chondroectodermal dysplasia; MESOECTODERMAL DYSPLASIA. Identifiers: Orphanet 289, MedGen C0013903, MONDO:0009162, OMIM 225500.

Allele frequency attached by ClinVar (database versions not stated): ESP Exome Variant Server 0.00008; gnomAD 0.00034 and 0.00045; TOPMed 0.00062; gnomAD exomes 0.00092; 1000 Genomes Project 30x 0.00094; 1000 Genomes Project 0.00100; ExAC 0.00104.
gnomAD v4.1: 486 of 1,614,102 alleles (0.03%); highest among the groups gnomAD compares: East Asian, 0.86%; 5 homozygotes.

Submissions (7):

Women's Health and Genetics/Laboratory Corporation of America, LabCorp
Classification: Likely benign. Last evaluated: 2026-06-03. Review status: criteria provided, single submitter. Criteria: LabCorp Variant Classification Summary - May 2015. Collection method: clinical testing. Allele origin: germline.
Comment: Variant summary: EVC2 c.1882G>A (p.Glu628Lys) results in a conservative amino acid change in the encoded protein sequence. Algorithms developed to predict the effect of missense changes on protein structure and function are either unavailable or do not agree on the potential impact of this missense change. The variant allele was found at a frequency of 0.00092 in 251450 control chromosomes, predominantly at a frequency of 0.011 within the East Asian subpopulation in the gnomAD database, including 3 homozygotes. The observed variant frequency within East Asian control individuals in the gnomAD database exceeds the estimated maximal expected allele frequency for disease-causing variants in EVC2. To our knowledge, no occurrence of c.1882G>A in individuals affected with EVC2-related conditions and no experimental evidence demonstrating its impact on protein function have been reported. ClinVar contains an entry for this variant (Variation ID: 349077). Based on the evidence outlined above, the variant was classified as likely benign.

Labcorp Genetics (formerly Invitae), Labcorp
Classification: Benign for Curry-Hall syndrome; Ellis-van Creveld syndrome. Last evaluated: 2026-01-28. Review status: criteria provided, single submitter. Criteria: Invitae Variant Classification Sherloc (09022015). Collection method: clinical testing. Allele origin: germline.

Blueprint Genetics
Classification: Likely benign. Last evaluated: 2024-11-18. Review status: criteria provided, single submitter. Criteria: ACMG Guidelines, 2015. Collection method: clinical testing. Allele origin: germline.

GeneDx
Classification: Likely benign. Last evaluated: 2021-05-04. Review status: criteria provided, single submitter. Criteria: GeneDx Variant Classification Process June 2021. Collection method: clinical testing. Allele origin: germline. Affected: yes.

Illumina Laboratory Services, Illumina
Classification: Benign for Ellis-van Creveld syndrome. Last evaluated: 2018-01-12. Review status: criteria provided, single submitter. Criteria: ICSL Variant Classification Criteria 13 December 2019. Collection method: clinical testing. Allele origin: germline.
Comment: This variant was observed in the ICSL laboratory as part of a predisposition screen in an ostensibly healthy population. It had not been previously curated by ICSL or reported in the Human Gene Mutation Database (HGMD: prior to June 1st, 2018), and was therefore a candidate for classification through an automated scoring system. Utilizing variant allele frequency, disease prevalence and penetrance estimates, and inheritance mode, an automated score was calculated to assess if this variant is too frequent to cause the disease. Based on the score and internal cut-off values, a variant classified as benign is not then subjected to further curation. The score for this variant resulted in a classification of benign for this disease.

ARUP Laboratories, Molecular Genetics and Genomics, ARUP Laboratories
Classification: Likely benign. Last evaluated: 2017-02-16. Review status: criteria provided, single submitter. Criteria: ARUP Molecular Germline Variant Investigation Process. Collection method: clinical testing. Allele origin: germline.

PreventionGenetics, part of Exact Sciences
Classification: Benign for EVC2-related condition. Last evaluated: 2019-11-20. Review status: no assertion criteria provided. Collection method: clinical testing. Allele origin: germline. Not counted in ClinVar's aggregate classification.
Comment: This variant is classified as benign based on ACMG/AMP sequence variant interpretation guidelines (Richards et al. 2015 PMID: 25741868, with internal and published modifications).

NM_147127.5(EVC2):c.1882G>A (p.Glu628Lys)

Gene: EVC2 (EvC ciliary complex subunit 2; minus strand). Cytogenetic location: 4p16.2.
Variant type: single nucleotide variant.
Coding change: c.1882G>A on transcript NM_147127.5 (MANE Select); coding-DNA position 1882, G replaced by A.
Protein change: p.Glu628Lys; replaces glutamic acid 628 with lysine.
Molecular consequence: missense variant.
Genome position (GRCh38, 1-based): chr4:5,628,563, C>T on the plus strand (G>A on the coding strand, the complement: EVC2 is on the minus strand). VCF-style: chr4-5628563-C-T. GRCh37 (hg19) VCF-style: chr4-5630290-C-T.
Other names: c.1642G>A, p.Glu548Lys (NM_001166136.2); short protein forms E628K, E548K.
Identifiers: ClinVar variation 349077 (VCV000349077.26), dbSNP rs186197620, ClinGen allele CA2834913.